The following is an entry in ClinVar:

NM_004409.5(DMPK):c.1809C>T (p.Ala603=)

Genes: DM1-AS (DM1 locus antisense RNA; plus strand), DMPK (DM1 protein kinase; minus strand), LOC107075317 (origin of replication in DMPK trinucleotide repeat region; plus strand), LOC129929041 (ATAC-STARR-seq lymphoblastoid active region 14820; plus strand). Cytogenetic location: 19q13.32.
Variant type: single nucleotide variant.
Coding change: c.1809C>T on transcript NM_004409.5 (MANE Select); coding-DNA position 1809, C replaced by T.
Protein change: p.Ala603=; no amino-acid change (alanine 603 retained).
Molecular consequence: synonymous variant. On other transcripts: missense variant (5), 3 prime UTR variant (3).
Genome position (GRCh38, 1-based): chr19:45,770,569, G>A on the plus strand (C>T on the coding strand, the complement: DMPK is on the minus strand). VCF-style: chr19-45770569-G-A. GRCh37 (hg19) VCF-style: chr19-46273827-G-A.
Other names: c.1794C>T, p.Ala598= (NM_001081560.3); c.1790C>T, p.Pro597Leu (NM_001081562.3); c.1839C>T, p.Ala613= (NM_001081563.3); c.1887C>T, p.Ala629= (NM_001288764.2); c.1538C>T, p.Pro513Leu (NM_001288765.2); c.*64C>T (NM_001288766.2, NM_001424164.1, NM_001424168.1); c.1805C>T, p.Pro602Leu (NM_001424162.1); c.1883C>T, p.Pro628Leu (NM_001424163.1); and 3 more; short protein forms P455L, P513L, P597L, P602L, P628L.
Identifiers: ClinVar variation 2650127 (VCV002650127.24), dbSNP rs377648168, ClinGen allele CA309002591.

ClinVar aggregate classification (germline): Likely benign (1 of 4 stars; one submission).

Allele frequency attached by ClinVar (database versions not stated): ESP Exome Variant Server 0.00016.
gnomAD v4.1: 12 of 1,551,530 alleles (0.00077%); highest among the groups gnomAD compares: Non-Finnish European, 0.00096%; no homozygotes.

Submission:

CeGaT Center for Human Genetics Tuebingen
Classification: Likely benign. Last evaluated: 2023-07-01. Review status: criteria provided, single submitter. Criteria: CeGaT Center For Human Genetics Tuebingen Variant Classification Criteria Version 2. Collection method: clinical testing. Allele origin: germline. Affected: yes. Observed: 1 variant allele.
Comment: DMPK: BP4